The following is an entry in ClinVar:

NM_018127.6(ELAC2):c.-318C>G

Gene: ELAC2 (elaC ribonuclease Z 2; minus strand). Cytogenetic location: 17p12.
Variant type: single nucleotide variant.
Coding change: c.-318C>G on transcript NM_018127.6; 318 bases upstream of the start codon, C replaced by G.
Genome position (GRCh38, 1-based): chr17:13,018,265, G>C on the plus strand (C>G on the coding strand, the complement: ELAC2 is on the minus strand). VCF-style: chr17-13018265-G-C. GRCh37 (hg19) VCF-style: chr17-12921582-G-C.
Identifiers: ClinVar variation 683501 (VCV000683501.3), dbSNP rs138603577, ClinGen allele CA288067907.

ClinVar aggregate classification (germline): Likely benign (1 of 4 stars; one submission).

Allele frequency attached by ClinVar (database versions not stated): 1000 Genomes Project 30x 0.00453; 1000 Genomes Project 0.00499; gnomAD 0.01297 and 0.01242; TOPMed 0.00952.

Submission:

GeneDx
Classification: Likely benign. Last evaluated: 2018-06-16. Review status: criteria provided, single submitter. Criteria: GeneDx Variant Classification (06012015). Collection method: clinical testing. Allele origin: germline. Affected: yes.
Comment: This variant is considered likely benign or benign based on one or more of the following criteria: it is a conservative change, it occurs at a poorly conserved position in the protein, it is predicted to be benign by multiple in silico algorithms, and/or has population frequency not consistent with disease.